The following is an entry in ClinVar:

NM_006206.6(PDGFRA):c.2218A>G (p.Thr740Ala)

Gene: PDGFRA (platelet derived growth factor receptor alpha; plus strand). Cytogenetic location: 4q12.
Variant type: single nucleotide variant.
Coding change: c.2218A>G on transcript NM_006206.6 (MANE Select); coding-DNA position 2218, A replaced by G.
Protein change: p.Thr740Ala; replaces threonine 740 with alanine.
Molecular consequence: missense variant.
Genome position (GRCh38, 1-based): chr4:54,280,377, A>G. VCF-style: chr4-54280377-A-G. GRCh37 (hg19) VCF-style: chr4-55146544-A-G.
Other names: c.2218A>G, p.Thr740Ala (NM_001347827.2, NM_001347829.2); c.2293A>G, p.Thr765Ala (NM_001347828.2); c.2257A>G, p.Thr753Ala (NM_001347830.2); short protein forms T740A, T753A, T765A.
Identifiers: ClinVar variation 2752632 (VCV002752632.3), dbSNP rs2110323994, ClinGen allele CA356894332.
Genomic context (GRCh38, chr4:54,280,377, plus strand): 5'-TATGTTATTTTATCTTTTGAAAACAATGGTGACTACATGGACATGAAGCAGGCTGATACT[A>G]CACAGTATGTCCCCATGCTAGAAAGGAAAGAGGTTTCTAAATATTCCGACATCCAGAGAT-3'
Protein context (NP_006197.1, residues 730-750): DYMDMKQADT[Thr740Ala]QYVPMLERKE

ClinVar aggregate classification (germline): Uncertain significance (1 of 4 stars; one submission).

Conditions:
Gastrointestinal stromal tumor. Also called: Gastrointestinal stromal tumor, somatic; Gastrointestinal stroma tumor. Identifiers: Orphanet 44890, MedGen C0238198, MeSH D046152, MONDO:0011719, OMIM 606764, HP:0100723.

Submission:

Labcorp Genetics (formerly Invitae), Labcorp
Classification: Uncertain significance for Gastrointestinal stromal tumor. Last evaluated: 2023-08-16. Review status: criteria provided, single submitter. Criteria: Invitae Variant Classification Sherloc (09022015). Collection method: clinical testing. Allele origin: germline.
Comment: In summary, the available evidence is currently insufficient to determine the role of this variant in disease. Therefore, it has been classified as a Variant of Uncertain Significance. Advanced modeling of protein sequence and biophysical properties (such as structural, functional, and spatial information, amino acid conservation, physicochemical variation, residue mobility, and thermodynamic stability) performed at Invitae indicates that this missense variant is not expected to disrupt PDGFRA protein function. This variant has not been reported in the literature in individuals affected with PDGFRA-related conditions. This variant is not present in population databases (gnomAD no frequency). This sequence change replaces threonine, which is neutral and polar, with alanine, which is neutral and non-polar, at codon 740 of the PDGFRA protein (p.Thr740Ala).